The following is an entry in ClinVar:

ClinVar aggregate classification (germline): Uncertain significance (1 of 4 stars; one submission).

Conditions:
Cardiovascular phenotype. Identifiers: MedGen CN230736.

gnomAD v4.1: 1 of 1,614,104 alleles (0.000062%); highest among the groups gnomAD compares: Non-Finnish European, 0.000085%; no homozygotes.

Submission:

Ambry Genetics
Classification: Uncertain significance for Cardiovascular phenotype. Last evaluated: 2022-01-19. Review status: criteria provided, single submitter. Criteria: Ambry Variant Classification Scheme 2023. Collection method: clinical testing. Allele origin: germline.
Comment: The p.E202G variant (also known as c.605A>G), located in coding exon 8 of the TNNI3 gene, results from an A to G substitution at nucleotide position 605. The glutamic acid at codon 202 is replaced by glycine, an amino acid with similar properties. This variant has been detected in an individual with hypertrophic cardiomyopathy (Mogensen J et al. J Am Coll Cardiol, 2004 Dec;44:2315-25). This amino acid position is highly conserved in available vertebrate species. In addition, this alteration is predicted to be deleterious by in silico analysis. Since supporting evidence is limited at this time, the clinical significance of this alteration remains unclear.

Literature cited by the submitters: PubMed 15607392.

NM_000363.5(TNNI3):c.605A>G (p.Glu202Gly)

Gene: TNNI3 (troponin I3, cardiac type; minus strand). Cytogenetic location: 19q13.42.
Variant type: single nucleotide variant.
Coding change: c.605A>G on transcript NM_000363.5 (MANE Select); coding-DNA position 605, A replaced by G.
Protein change: p.Glu202Gly; replaces glutamic acid 202 with glycine.
Molecular consequence: missense variant.
Genome position (GRCh38, 1-based): chr19:55,151,862, T>C on the plus strand (A>G on the coding strand, the complement: TNNI3 is on the minus strand). VCF-style: chr19-55151862-T-C. GRCh37 (hg19) VCF-style: chr19-55663230-T-C.
Other names: short protein forms E202G.
Identifiers: ClinVar variation 1751308 (VCV001751308.2), dbSNP rs2515495746, ClinGen allele CA407439480.
Genomic context (GRCh38, chr19:55,151,862, plus strand): 5'-CTCCTCAGGGCAGGGGCAGTAGGCAGGAAGGCTCAGCTCTCAAACTTTTTCTTGCGGCCC[T>C]CCATTCCACTCAGTGCATCGATGTTCTTGCGCCAGTCTCCCACCTCCCGGTTTTCCTGGA-3'
Protein context (NP_000354.4, residues 192-210): RKNIDALSGM[Glu202Gly]GRKKKFES